The following is an entry in ClinVar:

Single allele

Variant type: Deletion.
Identifiers: ClinVar variation 157430 (VCV000157430.2).

ClinVar aggregate classification (germline): not provided. Review status: no classification provided (0 of 4 stars). 3 submissions from 1 submitter: not provided (3).

Conditions:
Normal pregnancy. Identifiers: MedGen C0232989.
Small for gestational age. Also called: Low birth weight. Identifiers: MedGen C0235991, HP:0001518.
Preeclampsia. Identifiers: Orphanet 275555, MedGen C0032914, MONDO:0005081, HP:0100602.

Submissions (3):

Institute of Molecular and Cell Biology, University of Tartu
No classification provided. Condition: Normal pregnancy. Review status: no classification provided. Collection method: case-control. Allele origin: unknown. Affected: yes. Study: Kasak2014.
Comment: The study aimed to determine the contribution of copy number variants in the genetic etiology of normal and complicated pregnancies. The samples represented (i) maternal blood DNA drawn from healthy pregnant women during 1st or 2nd trimester and (ii) maternal and paternal blood DNA drawn at term pregnancy cases representing normal and complicated gestations (severe preeclampsia, PE; gestational diabetes, GD; small-for-gestational age newborn, SGA; large-for-gestational age newborn, LGA). We performed CNV calling based on genome-wide genotyping dataset (Illumina HumanOmniExpress-24-v1 BeadChip) by applying three algorithms, QuantiSNP, GADA (Genome Alteration Detection Algorithm) and CNstream in parallel. The acquired CNV calls were merged with HD-CNV (Hotspot Detector for Copy Number Variants) program and only the CNVs predicted by at least two programs, were considered in subsequent analysis.

Institute of Molecular and Cell Biology, University of Tartu
No classification provided. Condition: Small for gestational age. Review status: no classification provided. Collection method: case-control. Allele origin: unknown. Affected: yes. Study: Kasak2014.
Comment: the same text as in the submission from Institute of Molecular and Cell Biology, University of Tartu above.

Institute of Molecular and Cell Biology, University of Tartu
No classification provided. Condition: Preeclampsia. Review status: no classification provided. Collection method: case-control. Allele origin: unknown. Affected: yes. Study: Kasak2014.
Comment: the same text as in the submission from Institute of Molecular and Cell Biology, University of Tartu above.

Literature cited by the submitters: PubMed 25666259.